The following is an entry in ClinVar:

NM_002972.4(SBF1):c.523A>G (p.Thr175Ala)

Gene: SBF1 (SET binding factor 1; minus strand). Cytogenetic location: 22q13.33.
Variant type: single nucleotide variant.
Coding change: c.523A>G on transcript NM_002972.4 (MANE Select); coding-DNA position 523, A replaced by G.
Protein change: p.Thr175Ala; replaces threonine 175 with alanine.
Molecular consequence: missense variant.
Genome position (GRCh38, 1-based): chr22:50,467,364, T>C on the plus strand (A>G on the coding strand, the complement: SBF1 is on the minus strand). VCF-style: chr22-50467364-T-C. GRCh37 (hg19) VCF-style: chr22-50905793-T-C.
Other names: c.526A>G, p.Thr176Ala (NM_001365819.1, NM_001410794.1); c.523A>G, p.Thr175Ala (NM_001410795.1, NM_197971.1); c.523A>G (NM_002972.2); short protein forms T175A, T176A.
Identifiers: ClinVar variation 2064266 (VCV002064266.4), dbSNP rs759383363, ClinGen allele CA10318050.

ClinVar aggregate classification (germline): Uncertain significance. Review status: criteria provided, multiple submitters, no conflicts (2 of 4 stars). 3 submissions from 3 submitters: Uncertain significance (3). Last evaluated 2024-06-05.

Allele frequency attached by ClinVar (database versions not stated): gnomAD 0.00002; TOPMed 0.00004.
gnomAD v4.1: 49 of 1,613,972 alleles (0.003%); highest among the groups gnomAD compares: Admixed American, 0.078%; no homozygotes.

Submissions (3):

Ambry Genetics
Classification: Uncertain significance. Last evaluated: 2024-06-05. Review status: criteria provided, single submitter. Criteria: Ambry Variant Classification Scheme 2023. Collection method: clinical testing. Allele origin: germline.

GeneDx
Classification: Uncertain significance. Last evaluated: 2023-12-05. Review status: criteria provided, single submitter. Criteria: GeneDx Variant Classification Process June 2021. Collection method: clinical testing. Allele origin: germline. Affected: yes.
Comment: In silico analysis supports that this missense variant does not alter protein structure/function; Has not been previously published as pathogenic or benign to our knowledge

Labcorp Genetics (formerly Invitae), Labcorp
Classification: Uncertain significance. Last evaluated: 2023-08-10. Review status: criteria provided, single submitter. Criteria: Invitae Variant Classification Sherloc (09022015). Collection method: clinical testing. Allele origin: germline.
Comment: This sequence change replaces threonine, which is neutral and polar, with alanine, which is neutral and non-polar, at codon 175 of the SBF1 protein (p.Thr175Ala). This variant is present in population databases (rs759383363, gnomAD 0.1%). This variant has not been reported in the literature in individuals affected with SBF1-related conditions. ClinVar contains an entry for this variant (Variation ID: 2064266). Advanced modeling of protein sequence and biophysical properties (such as structural, functional, and spatial information, amino acid conservation, physicochemical variation, residue mobility, and thermodynamic stability) performed at Invitae indicates that this missense variant is not expected to disrupt SBF1 protein function. In summary, the available evidence is currently insufficient to determine the role of this variant in disease. Therefore, it has been classified as a Variant of Uncertain Significance.